The following is an entry in ClinVar:

NM_000441.2(SLC26A4):c.17G>T (p.Gly6Val)

Genes: SLC26A4 (solute carrier family 26 member 4; plus strand), SLC26A4-AS1 (SLC26A4 antisense RNA 1; minus strand). Cytogenetic location: 7q22.3.
Variant type: single nucleotide variant.
Coding change: c.17G>T on transcript NM_000441.2 (MANE Select); coding-DNA position 17, G replaced by T.
Protein change: p.Gly6Val; replaces glycine 6 with valine.
Molecular consequence: missense variant. On other transcripts: non-coding transcript variant (1).
Genome position (GRCh38, 1-based): chr7:107,661,658, G>T. VCF-style: chr7-107661658-G-T. GRCh37 (hg19) VCF-style: chr7-107302103-G-T.
Other names: short protein forms G6V.
Identifiers: ClinVar variation 43524 (VCV000043524.39), dbSNP rs111033423, ClinGen allele CA132679.
Genomic context (GRCh38, chr7:107,661,658, plus strand): 5'-TTACCGCGTGTCCTCCCTCCTCGCTGTCCTCTGGCTCGCAGGTCATGGCAGCGCCAGGCG[G>T]CAGGTCGGAGCCGCCGCAGCTCCCCGAGTACAGCTGCAGCTACATGGTGTCGCGGCCGGT-3'
Protein context (NP_000432.1, residues 1-16): MAAPG[Gly6Val]RSEPPQLPEY

ClinVar aggregate classification (germline): Conflicting classifications of pathogenicity. Review status: criteria provided, conflicting classifications (1 of 4 stars). 12 submissions from 10 submitters: Uncertain significance (1); Benign (6); Likely benign (3). 2 of the submissions do not count toward it. Last evaluated 2026-09-01.

Conditions:
Autosomal recessive nonsyndromic hearing loss 4 (DFNB4). Also called: Deafness, autosomal recessive 4, with enlarged vestibular aqueduct; Deafness, autosomal recessive 4; Enlarged vestibular aqueduct, digenic; FOXI1-Related Pendred Syndrome; KCNJ10-Related Pendred Syndrome; Nonsyndromic enlarged vestibular aqueduct (NSEVA). Identifiers: Orphanet 90636, MedGen C3538946, MONDO:0010933, OMIM 600791.
Pendred syndrome (PDS). Also called: Pendred's syndrome; Pendred Syndrome (PDS); THYROID DYSHORMONOGENESIS 2B; THYROID HORMONOGENESIS, GENETIC DEFECT IN, 2B; DEAFNESS WITH GOITER; GOITER-DEAFNESS SYNDROME. Identifiers: Orphanet 705, MedGen C0271829, MONDO:0010134, OMIM 274600.

Allele frequency attached by ClinVar (database versions not stated): gnomAD 0.00010 and 0.00087; 1000 Genomes Project 0.00799; TOPMed 0.00020; gnomAD exomes 0.00110 and 0.00248; 1000 Genomes Project 30x 0.00750; ExAC 0.00981; ESP Exome Variant Server 0.00008.
gnomAD v4.1: 1,728 of 1,567,808 alleles (0.11%); highest among the groups gnomAD compares: South Asian, 1.7%; 34 homozygotes.

Submissions (12):

CeGaT Center for Human Genetics Tuebingen
Classification: Benign. Last evaluated: 2026-09-01. Review status: criteria provided, single submitter. Criteria: CeGaT Center For Human Genetics Tuebingen Variant Classification Criteria Version 2. Collection method: clinical testing. Allele origin: germline. Affected: yes. Observed: 3 variant alleles.
Comment: SLC26A4: BS1, BS2

Labcorp Genetics (formerly Invitae), Labcorp
Classification: Benign. Last evaluated: 2026-02-04. Review status: criteria provided, single submitter. Criteria: Invitae Variant Classification Sherloc (09022015). Collection method: clinical testing. Allele origin: germline.

Women's Health and Genetics/Laboratory Corporation of America, LabCorp
Classification: Benign. Last evaluated: 2022-07-12. Review status: criteria provided, single submitter. Criteria: LabCorp Variant Classification Summary - May 2015. Collection method: clinical testing. Allele origin: germline.
Comment: Variant summary: SLC26A4 c.17G>T (p.Gly6Val) results in a non-conservative amino acid change in the encoded protein sequence. Four of five in-silico tools predict a benign effect of the variant on protein function. The variant allele was found at a frequency of 0.0025 in 177348 control chromosomes, predominantly at a frequency of 0.016 within the South Asian subpopulation in the gnomAD database, including 6 homozygotes. The observed variant frequency within South Asian control individuals in the gnomAD database is approximately 5 fold of the estimated maximal expected allele frequency for a pathogenic variant in SLC26A4 causing Pendred Syndrome phenotype (0.0035), strongly suggesting that the variant is a benign polymorphism found primarily in populations of South Asian origin. To our knowledge, no experimental evidence demonstrating its impact on protein function have been reported. Eight ClinVar submitters (evaluation after 2014) cite the variant as uncertain significance (n=1), likely benign (n=2) and benign (n=5). Based on the evidence outlined above, the variant was classified as benign.

Genome-Nilou Lab
Classification: Likely benign for Autosomal recessive nonsyndromic hearing loss 4. Last evaluated: 2021-09-05. Review status: criteria provided, single submitter. Criteria: ACMG Guidelines, 2015. Collection method: clinical testing. Allele origin: germline. Affected: no.

Genome-Nilou Lab
Classification: Likely benign for Pendred syndrome. Last evaluated: 2021-09-05. Review status: criteria provided, single submitter. Criteria: ACMG Guidelines, 2015. Collection method: clinical testing. Allele origin: germline. Affected: no.

GeneDx
Classification: Benign. Last evaluated: 2019-09-30. Review status: criteria provided, single submitter. Criteria: GeneDx Variant Classification Process June 2021. Collection method: clinical testing. Allele origin: germline. Affected: yes.
Comment: This variant is associated with the following publications: (PMID: 28444304, 20597900, 25991456, 26188157, 20601923)

ARUP Laboratories, Molecular Genetics and Genomics, ARUP Laboratories
Classification: Likely benign. Last evaluated: 2018-01-23. Review status: criteria provided, single submitter. Criteria: ARUP Molecular Germline Variant Investigation Process. Collection method: clinical testing. Allele origin: germline.
Comment: The c.17G>T; p.Gly6Val variant (rs111033423, ClinVar variant ID 43524) has been reported in patients with hearing loss (Pourova 2010, Tang 2015) and congenital hypothyroidism (de Filippis 2017); however, it was also detected at a similar frequency in a control population (Pourova 2010). This variant is listed in the genome Aggregation Database (gnomAD) with a South Asian population frequency of 1.6% (identified on 398 out of 25,068 chromosomes, including 6 homozygotes). The glycine at position 6 is weakly conserved, considering 12 species, and computational analyses of the effects of the p.Gly6Val variant on protein structure and function do not predict a deleterious effect (SIFT: tolerated, PolyPhen-2: benign). Based on the available information, the p.Gly6Val variant is likely to be benign.

Illumina Laboratory Services, Illumina
Classification: Benign for Pendred syndrome. Last evaluated: 2017-04-28. Review status: criteria provided, single submitter. Criteria: ICSL Variant Classification Criteria 13 December 2019. Collection method: clinical testing. Allele origin: germline.
Comment: This variant was observed as part of a predisposition screen in an ostensibly healthy population. A literature search was performed for the gene, cDNA change, and amino acid change (where applicable). No publications were found based on this search. Allele frequency data from public databases was too high to be consistent with this variant causing disease. Therefore, this variant is classified as benign.

Illumina Laboratory Services, Illumina
Classification: Uncertain significance for Autosomal recessive nonsyndromic hearing loss 4. Last evaluated: 2017-04-28. Review status: criteria provided, single submitter. Criteria: ICSL Variant Classification Criteria 13 December 2019. Collection method: clinical testing. Allele origin: germline.
Comment: This variant was observed as part of a predisposition screen in an ostensibly healthy population. A literature search was performed for the gene, cDNA change, and amino acid change (where applicable). Publications were found based on this search. However, the evidence from the literature, in combination with allele frequency data from public databases where available, was not sufficient to rule this variant in or out of causing disease. Therefore, this variant is classified as a variant of unknown significance.

Laboratory for Molecular Medicine, Mass General Brigham Personalized Medicine
Classification: Benign. Last evaluated: 2017-04-25. Review status: criteria provided, single submitter. Criteria: LMM Criteria. Collection method: clinical testing. Allele origin: germline. Observed: 4 variant alleles.
Comment: The p.Gly6Val variant in exon 2 of SLC26A4: This variant is not expected to have clinical significance because it has been identified in 1.6% (398/25068) of Sou th Asian chromosomes by the Genome Aggregation Database (gnomAD; dbSNP rs111033423).

Natera, Inc.
Classification: Benign for Pendred syndrome. Last evaluated: 2019-11-11. Review status: no assertion criteria provided. Collection method: clinical testing. Allele origin: germline. Not counted in ClinVar's aggregate classification.

Counsyl
Classification: Likely benign for Pendred's syndrome. Last evaluated: 2014-10-17. Review status: no assertion criteria provided. Collection method: literature only. Allele origin: unknown. Inheritance: Autosomal recessive inheritance. Not counted in ClinVar's aggregate classification.

Literature cited by the submitters: PubMed 20597900 (cited by Illumina Laboratory Services, Illumina and Counsyl); PubMed 20601923 (cited by Illumina Laboratory Services, Illumina and Counsyl); PubMed 25991456 (cited by Illumina Laboratory Services, Illumina).